The following is an entry in ClinVar:

NM_000465.4(BARD1):c.2020_2022dup (p.Gly674dup)

Gene: BARD1 (BRCA1 associated RING domain 1; minus strand). Cytogenetic location: 2q35.
Variant type: Duplication.
Coding change: c.2020_2022dup on transcript NM_000465.4 (MANE Select); coding-DNA positions 2020 to 2022, 3 bases duplicated (GGA; older notation c.2020_2022dupGGA).
Protein change: p.Gly674dup; duplicates glycine 674.
Molecular consequence: inframe insertion. On other transcripts: non-coding transcript variant (3).
Genome position (GRCh38, 1-based): chr2:214,728,988-214,728,990, TCC duplicated on the plus strand (GGA on the coding strand, the reverse complement: BARD1 is on the minus strand). VCF-style (leftmost placement, unchanged base first): chr2-214728987-A-ATCC. GRCh37 (hg19) VCF-style: chr2-215593711-A-ATCC.
Other names: c.1963_1965dup, p.Gly655dup (NM_001282543.2); c.667_669dup, p.Gly223dup (NM_001282545.2); c.610_612dup, p.Gly204dup (NM_001282548.2); c.481_483dup, p.Gly161dup (NM_001282549.2); c.2020_2022dupGGA (NM_000465.2, NM_000465.3).
Identifiers: ClinVar variation 479164 (VCV000479164.17), dbSNP rs1553612228, ClinGen allele CA658657204.

ClinVar aggregate classification (germline): Uncertain significance. Review status: criteria provided, multiple submitters, no conflicts (2 of 4 stars). 3 submissions from 3 submitters: Uncertain significance (3). Last evaluated 2019-03-19.

Conditions:
Hereditary cancer-predisposing syndrome. Also called: Neoplastic Syndromes, Hereditary; Hereditary Cancer Syndrome; Hereditary neoplastic syndrome; Tumor predisposition. Identifiers: Orphanet 140162, MedGen C0027672, MeSH D009386, MONDO:0015356.
Familial cancer of breast. Also called: BREAST CANCER, FAMILIAL; hereditary breast carcinoma; Hereditary breast cancer. Identifiers: Orphanet 227535, MedGen C0346153, MONDO:0016419, OMIM 114480. Disease mechanism: loss of function.

Submissions (3):

Color Diagnostics, LLC DBA Color Health
Classification: Uncertain significance for Hereditary cancer-predisposing syndrome. Last evaluated: 2019-03-19. Review status: criteria provided, single submitter. Criteria: ACMG Guidelines, 2015. Collection method: clinical testing. Allele origin: germline.

Labcorp Genetics (formerly Invitae), Labcorp
Classification: Uncertain significance for Familial cancer of breast. Last evaluated: 2018-04-12. Review status: criteria provided, single submitter. Criteria: Invitae Variant Classification Sherloc (09022015). Collection method: clinical testing. Allele origin: germline.
Comment: In summary, the available evidence is currently insufficient to determine the role of this variant in disease. Therefore, it has been classified as a Variant of Uncertain Significance. Experimental studies and prediction algorithms are not available for this variant, and the functional significance of the inserted amino acid is currently unknown. This variant has not been reported in the literature in individuals with BARD1-related disease. ClinVar contains an entry for this variant (Variation ID: 479164). This variant is not present in population databases (ExAC no frequency). This variant, c.2020_2022dupGGA, results in the insertion of 1 amino acid to the BARD1 protein (p.Gly674dup), but otherwise preserves the integrity of the reading frame.

Ambry Genetics
Classification: Uncertain significance for Hereditary cancer-predisposing syndrome. Last evaluated: 2016-10-03. Review status: criteria provided, single submitter. Criteria: Ambry Variant Classification Scheme 2023. Collection method: clinical testing. Allele origin: germline.
Comment: The c.2020_2022dupGGA variant (also known as p.G674dup), located in coding exon 11 of the BARD1 gene, results from an in-frame duplication of GGA at nucleotide positions 2020 to 2022. This results in the duplication of an extra residue between codons 674 and 675. This variant was not reported in population based cohorts in the following databases: Database of Single Nucleotide Polymorphisms (dbSNP), NHLBI Exome Sequencing Project (ESP), and 1000 Genomes Project. In the ESP, this variant was not observed in 6503 samples (13006 alleles) with coverage at this position. To date, this alteration has been detected with an allele frequency of approximately 0.001% (greater than 175000 alleles tested) in our clinical cohort. Since supporting evidence is limited at this time, the clinical significance of this alteration remains unclear.